The following is an entry in ClinVar:

ClinVar aggregate classification (germline): Pathogenic (1 of 4 stars; one submission).

Conditions:
Primary ciliary dyskinesia. Also called: Ciliary dyskinesia. Identifiers: Orphanet 244, MedGen C0008780, MONDO:0016575, HP:0012265.

gnomAD v4.1: 4 of 1,613,926 alleles (0.00025%); highest among the groups gnomAD compares: South Asian, 0.0044%; no homozygotes.

Submission:

Labcorp Genetics (formerly Invitae), Labcorp
Classification: Pathogenic for Primary ciliary dyskinesia. Last evaluated: 2026-01-25. Review status: criteria provided, single submitter. Criteria: Invitae Variant Classification Sherloc (09022015). Collection method: clinical testing. Allele origin: germline.
Comment: This sequence change creates a premature translational stop signal (p.Trp3872*) in the DNAH11 gene. It is expected to result in an absent or disrupted protein product. Loss-of-function variants in DNAH11 are known to be pathogenic (PMID: 18022865, 20513915, 22184204). This variant is present in population databases (rs765087313, gnomAD 0.003%). This variant has not been reported in the literature in individuals affected with DNAH11-related conditions. For these reasons, this variant has been classified as Pathogenic.

Literature cited by the submitters: PubMed 18022865; PubMed 20513915; PubMed 22184204.

NM_001277115.2(DNAH11):c.11616G>A (p.Trp3872Ter)

Gene: DNAH11 (dynein axonemal heavy chain 11; plus strand). Cytogenetic location: 7p15.3.
Variant type: single nucleotide variant.
Coding change: c.11616G>A on transcript NM_001277115.2 (MANE Select); coding-DNA position 11616, G replaced by A.
Protein change: p.Trp3872Ter; replaces tryptophan 3872 with a stop codon.
Molecular consequence: nonsense.
Genome position (GRCh38, 1-based): chr7:21,866,589, G>A. VCF-style: chr7-21866589-G-A. GRCh37 (hg19) VCF-style: chr7-21906207-G-A.
Other names: short protein forms W3872*.
Identifiers: ClinVar variation 4736128 (VCV004736128.1).
Genomic context (GRCh38, chr7:21,866,589, plus strand): 5'-GCAGTGGAGGAAGTGGGTAGAATCCGAGTGTCCAGAAAAAGAAAAATTACCTCAAGAATG[G>A]AAGAAGAAAAGTTTAATACAGAAGCTGATTCTTCTGAGAGCAATGCGCCCTGACAGAATG-3'